The following is an entry in ClinVar:

ClinVar aggregate classification (germline): Uncertain significance (1 of 4 stars; one submission).

Allele frequency attached by ClinVar (database versions not stated): gnomAD exomes below 0.00001.
gnomAD v4.1: 3 of 1,612,094 alleles (0.00019%); highest among the groups gnomAD compares: Admixed American, 0.0033%; no homozygotes.

Submission:

Labcorp Genetics (formerly Invitae), Labcorp
Classification: Uncertain significance. Last evaluated: 2021-06-28. Review status: criteria provided, single submitter. Criteria: Invitae Variant Classification Sherloc (09022015). Collection method: clinical testing. Allele origin: germline.
Comment: This variant has not been reported in the literature in individuals with PAX1-related conditions. In summary, the available evidence is currently insufficient to determine the role of this variant in disease. Therefore, it has been classified as a Variant of Uncertain Significance. Algorithms developed to predict the effect of sequence changes on RNA splicing suggest that this variant may create or strengthen a splice site, but this prediction has not been confirmed by published transcriptional studies. Algorithms developed to predict the effect of missense changes on protein structure and function are either unavailable or do not agree on the potential impact of this missense change (SIFT: "Deleterious"; PolyPhen-2: "Probably Damaging"; Align-GVGD: "Class C0"). This variant is not present in population databases (ExAC no frequency). This sequence change replaces alanine with valine at codon 152 of the PAX1 protein (p.Ala152Val). The alanine residue is highly conserved and there is a small physicochemical difference between alanine and valine.

NM_001257096.2(PAX1):c.455C>T (p.Ala152Val)

Gene: PAX1 (paired box 1; plus strand). Cytogenetic location: 20p11.22.
Variant type: single nucleotide variant.
Coding change: c.455C>T on transcript NM_001257096.2 (MANE Select); coding-DNA position 455, C replaced by T.
Protein change: p.Ala152Val; replaces alanine 152 with valine.
Molecular consequence: missense variant.
Genome position (GRCh38, 1-based): chr20:21,706,606, C>T. VCF-style: chr20-21706606-C-T. GRCh37 (hg19) VCF-style: chr20-21687244-C-T.
Other names: c.455C>T, p.Ala152Val (NM_006192.5); short protein forms A152V.
Identifiers: ClinVar variation 1502003 (VCV001502003.8), dbSNP rs1353186568, ClinGen allele CA408498014.